The following is an entry in ClinVar:

NM_017763.6(RNF43):c.1969C>T (p.Arg657Trp)

Gene: RNF43 (ring finger protein 43; minus strand). Cytogenetic location: 17q22.
Variant type: single nucleotide variant.
Coding change: c.1969C>T on transcript NM_017763.6 (MANE Select); coding-DNA position 1969, C replaced by T.
Protein change: p.Arg657Trp; replaces arginine 657 with tryptophan.
Molecular consequence: missense variant.
Genome position (GRCh38, 1-based): chr17:58,357,807, G>A on the plus strand (C>T on the coding strand, the complement: RNF43 is on the minus strand). VCF-style: chr17-58357807-G-A. GRCh37 (hg19) VCF-style: chr17-56435168-G-A.
Other names: c.1969C>T, p.Arg657Trp (NM_001305544.3); c.1588C>T, p.Arg530Trp (NM_001305545.2); c.1969C>T (NM_017763.4); short protein forms R657W, R530W.
Identifiers: ClinVar variation 962308 (VCV000962308.16), dbSNP rs766439784, ClinGen allele CA8673085.

ClinVar aggregate classification (germline): Conflicting classifications of pathogenicity. Review status: criteria provided, conflicting classifications (1 of 4 stars). 6 submissions from 6 submitters: Uncertain significance (5); Likely benign (1). Last evaluated 2025-11-21.

Conditions:
Hyperplastic polyposis syndrome. Identifiers: Orphanet 157798, MedGen C4296896, MONDO:0015524.
Sessile serrated polyposis cancer syndrome (SSPCS). Identifiers: Orphanet 157798, MedGen C4310714, MONDO:0014919, OMIM 617108.

Allele frequency attached by ClinVar (database versions not stated): ExAC 0.00003; gnomAD exomes 0.00005; gnomAD 0.00006; TOPMed 0.00004.
gnomAD v4.1: 77 of 1,614,018 alleles (0.0048%); highest among the groups gnomAD compares: Middle Eastern, 0.049%; no homozygotes.

Submissions (6):

Labcorp Genetics (formerly Invitae), Labcorp
Classification: Uncertain significance. Last evaluated: 2025-11-21. Review status: criteria provided, single submitter. Criteria: Invitae Variant Classification Sherloc (09022015). Collection method: clinical testing. Allele origin: germline.
Comment: This sequence change replaces arginine, which is basic and polar, with tryptophan, which is neutral and slightly polar, at codon 657 of the RNF43 protein (p.Arg657Trp). This variant is present in population databases (rs766439784, gnomAD 0.01%). This variant has not been reported in the literature in individuals affected with RNF43-related conditions. ClinVar contains an entry for this variant (Variation ID: 962308). An algorithm developed to predict the effect of missense changes on protein structure and function (PolyPhen-2) suggests that this variant is likely to be disruptive. In summary, the available evidence is currently insufficient to determine the role of this variant in disease. Therefore, it has been classified as a Variant of Uncertain Significance.

Center for Genomic Medicine, Rigshospitalet, Copenhagen University Hospital
Classification: Uncertain significance. Last evaluated: 2025-03-04. Review status: criteria provided, single submitter. Criteria: ACMG Guidelines, 2015. Collection method: clinical testing. Allele origin: germline.

Ambry Genetics
Classification: Likely benign. Last evaluated: 2025-02-13. Review status: criteria provided, single submitter. Criteria: Ambry Variant Classification Scheme 2023. Collection method: clinical testing. Allele origin: germline.

GeneDx
Classification: Uncertain significance. Last evaluated: 2025-01-22. Review status: criteria provided, single submitter. Criteria: GeneDx Variant Classification Process June 2021. Collection method: clinical testing. Allele origin: germline.
Comment: In silico analysis indicates that this missense variant does not alter protein structure/function; Has not been previously published as pathogenic or benign to our knowledge

Baylor Genetics
Classification: Uncertain significance for Sessile serrated polyposis cancer syndrome. Last evaluated: 2024-01-23. Review status: criteria provided, single submitter. Criteria: ACMG Guidelines, 2015. Collection method: clinical testing. Allele origin: unknown.

Department of Pathology and Laboratory Medicine, Sinai Health System
Classification: Uncertain significance for Hyperplastic polyposis syndrome. Last evaluated: 2021-09-17. Review status: criteria provided, single submitter. Criteria: ACMG Guidelines, 2015. Collection method: research. Allele origin: germline.